The following is an entry in ClinVar:

ClinVar aggregate classification (germline): Benign. Review status: criteria provided, multiple submitters, no conflicts (2 of 4 stars). 2 submissions from 2 submitters: Benign (2). Last evaluated 2018-01-12.

Conditions:
Hypercholesterolemia, familial, 4 (FHCL4). Also called: HYPERCHOLESTEROLEMIA, AUTOSOMAL RECESSIVE, 1; HYPERCHOLESTEROLEMIA, AUTOSOMAL RECESSIVE, 2. Identifiers: Orphanet 391665, MedGen C1863512, MONDO:0011374, OMIM 603813.

Allele frequency attached by ClinVar (database versions not stated): 1000 Genomes Project 0.01937; 1000 Genomes Project 30x 0.02046; gnomAD 0.03536 and 0.03639; TOPMed 0.03646.

Submissions (2):

Illumina Laboratory Services, Illumina
Classification: Benign for Hypercholesterolemia, familial, 4. Last evaluated: 2018-01-12. Review status: criteria provided, single submitter. Criteria: ICSL Variant Classification Criteria 13 December 2019. Collection method: clinical testing. Allele origin: germline.
Comment: This variant was observed in the ICSL laboratory as part of a predisposition screen in an ostensibly healthy population. It had not been previously curated by ICSL or reported in the Human Gene Mutation Database (HGMD: prior to June 1st, 2018), and was therefore a candidate for classification through an automated scoring system. Utilizing variant allele frequency, disease prevalence and penetrance estimates, and inheritance mode, an automated score was calculated to assess if this variant is too frequent to cause the disease. Based on the score and internal cut-off values, a variant classified as benign is not then subjected to further curation. The score for this variant resulted in a classification of benign for this disease.

Breakthrough Genomics
Classification: Benign. Review status: criteria provided, single submitter. Criteria: ACMG Guidelines, 2015. Collection method: not provided. Allele origin: germline. Inheritance: Autosomal recessive inheritance. Affected: yes.

NM_015627.3(LDLRAP1):c.*1794G>A

Gene: LDLRAP1 (low density lipoprotein receptor adaptor protein 1; plus strand). Cytogenetic location: 1p36.11.
Variant type: single nucleotide variant.
Coding change: c.*1794G>A on transcript NM_015627.3 (MANE Select); 1794 bases downstream of the stop codon, G replaced by A.
Molecular consequence: 3 prime UTR variant.
Genome position (GRCh38, 1-based): chr1:25,568,786, G>A. VCF-style: chr1-25568786-G-A. GRCh37 (hg19) VCF-style: chr1-25895277-G-A.
Identifiers: ClinVar variation 876223 (VCV000876223.5), dbSNP rs4537542, ClinGen allele CA10966956.